The following is an entry in ClinVar:

NM_000059.4(BRCA2):c.8974C>A (p.Pro2992Thr)

Gene: BRCA2 (BRCA2 DNA repair associated; plus strand). Cytogenetic location: 13q13.1.
Variant type: single nucleotide variant.
Coding change: c.8974C>A on transcript NM_000059.4 (MANE Select); coding-DNA position 8974, C replaced by A.
Protein change: p.Pro2992Thr; replaces proline 2992 with threonine.
Molecular consequence: missense variant.
Genome position (GRCh38, 1-based): chr13:32,379,770, C>A. VCF-style: chr13-32379770-C-A. GRCh37 (hg19) VCF-style: chr13-32953907-C-A.
Other names: c.8878C>A, p.Pro2960Thr (NM_001406719.1); c.4042C>A, p.Pro1348Thr (NM_001406721.1); c.2557C>A, p.Pro853Thr (NM_001406722.1); short protein forms P2992T, P853T, P1348T, P2960T.
Identifiers: ClinVar variation 2118294 (VCV002118294.4), dbSNP rs2072907725, ClinGen allele CA387757393.
Genomic context (GRCh38, chr13:32,379,770, plus strand): 5'-CACTTCTTCCATTGCATCTTTCTCATCTTTCTCCAAACAGTTATACTGAGTATTTGGCGT[C>A]CATCATCAGATTTATATTCTCTGTTAACAGAAGGAAAGAGATACAGAATTTATCATCTTG-3'
Protein context (NP_000050.3, residues 2982-3002): KDSVILSIWR[Pro2992Thr]SSDLYSLLTE

ClinVar aggregate classification (germline): Uncertain significance (1 of 4 stars; one submission).

Conditions:
Hereditary breast ovarian cancer syndrome. Also called: Hereditary breast and ovarian cancer syndrome; Hereditary breast and ovarian cancer; Hereditary breast and ovarian cancer syndrome (HBOC); Hereditary breast and/or ovarian cancer syndrome; Breast and ovarian cancer; BRCA1- and BRCA2-Associated Hereditary Breast and Ovarian Cancer. Identifiers: Orphanet 145, MedGen C0677776, MeSH D061325, MONDO:0003582. Disease mechanism: loss of function.

Submission:

Labcorp Genetics (formerly Invitae), Labcorp
Classification: Uncertain significance for Hereditary breast ovarian cancer syndrome. Last evaluated: 2022-03-27. Review status: criteria provided, single submitter. Criteria: Invitae Variant Classification Sherloc (09022015). Collection method: clinical testing. Allele origin: germline.
Comment: This sequence change replaces proline, which is neutral and non-polar, with threonine, which is neutral and polar, at codon 2992 of the BRCA2 protein (p.Pro2992Thr). In summary, the available evidence is currently insufficient to determine the role of this variant in disease. Therefore, it has been classified as a Variant of Uncertain Significance. Advanced modeling of protein sequence and biophysical properties (such as structural, functional, and spatial information, amino acid conservation, physicochemical variation, residue mobility, and thermodynamic stability) performed at Invitae indicates that this missense variant is not expected to disrupt BRCA2 protein function. This variant has not been reported in the literature in individuals affected with BRCA2-related conditions. This variant is not present in population databases (gnomAD no frequency).